The following is an entry in ClinVar:

ClinVar aggregate classification (germline): Uncertain significance. Review status: criteria provided, multiple submitters, no conflicts (2 of 4 stars). 2 submissions from 2 submitters: Uncertain significance (2). Last evaluated 2026-02-26.

Conditions:
Glycogen storage disease IXd (GSD9D). Also called: Muscle Phosphorylase Kinase Deficiency; GSD IXd. Identifiers: Orphanet 715, MedGen C1845151, MONDO:0010362, OMIM 300559.

gnomAD v4.1: 9 of 1,207,357 alleles (0.00075%); highest among the groups gnomAD compares: Non-Finnish European, 0.001%; no homozygotes.

Submissions (2):

Women's Health and Genetics/Laboratory Corporation of America, LabCorp
Classification: Uncertain significance. Last evaluated: 2026-02-26. Review status: criteria provided, single submitter. Criteria: LabCorp Variant Classification Summary - May 2015. Collection method: clinical testing. Allele origin: germline.
Comment: Variant summary: PHKA1 c.1360A>G (p.Ile454Val) results in a conservative amino acid change in the encoded protein sequence. Algorithms developed to predict the effect of missense changes on protein structure and function are either unavailable or do not agree on the potential impact of this missense change. The variant allele was found at a frequency of 1.1e-05 in 180326 control chromosomes. The available data on variant occurrences in the general population are insufficient to allow any conclusion about variant significance. c.1360A>G has been observed at a hemizygous state, co-occurring with a heterozygous pathogenic variant in GAA (c.784G>A p.Glu262Lys), in one individual affected with some features of Glycogen Phosphorylase Kinase Deficiency, however the clinical information of the carrier mother was not provided (Picillo_2024). These report(s) do not provide unequivocal conclusions about association of the variant with Glycogen Phosphorylase Kinase Deficiency. To our knowledge, no experimental evidence demonstrating an impact on protein function has been reported. The following publication has been ascertained in the context of this evaluation (PMID: 38586167). ClinVar contains an entry for this variant (Variation ID: 4751316). Based on the evidence outlined above, the variant was classified as uncertain significance.

Labcorp Genetics (formerly Invitae), Labcorp
Classification: Uncertain significance for Glycogen storage disease IXd. Last evaluated: 2025-11-12. Review status: criteria provided, single submitter. Criteria: Invitae Variant Classification Sherloc (09022015). Collection method: clinical testing. Allele origin: germline.
Comment: This sequence change replaces isoleucine, which is neutral and non-polar, with valine, which is neutral and non-polar, at codon 454 of the PHKA1 protein (p.Ile454Val). This variant is present in population databases (rs370665123, gnomAD 0.006%). This variant has not been reported in the literature in individuals affected with PHKA1-related conditions. Invitae Evidence Modeling of protein sequence and biophysical properties (such as structural, functional, and spatial information, amino acid conservation, physicochemical variation, residue mobility, and thermodynamic stability) indicates that this missense variant is not expected to disrupt PHKA1 protein function with a negative predictive value of 80%. In summary, the available evidence is currently insufficient to determine the role of this variant in disease. Therefore, it has been classified as a Variant of Uncertain Significance.

Literature cited by the submitters: PubMed 38586167 (cited by Women's Health and Genetics/Laboratory Corporation of America, LabCorp).

NM_002637.4(PHKA1):c.1360A>G (p.Ile454Val)

Gene: PHKA1 (phosphorylase kinase regulatory subunit alpha 1; minus strand). Cytogenetic location: Xq13.1.
Variant type: single nucleotide variant.
Coding change: c.1360A>G on transcript NM_002637.4 (MANE Select); coding-DNA position 1360, A replaced by G.
Protein change: p.Ile454Val; replaces isoleucine 454 with valine.
Molecular consequence: missense variant.
Genome position (GRCh38, 1-based): chrX:72,644,461, T>C on the plus strand (A>G on the coding strand, the complement: PHKA1 is on the minus strand). VCF-style: chrX-72644461-T-C. GRCh37 (hg19) VCF-style: chrX-71864311-T-C.
Other names: c.1360A>G, p.Ile454Val (NM_001122670.2, NM_001172436.2, NM_001431068.1 and 2 more transcripts); short protein forms I454V.
Identifiers: ClinVar variation 4751316 (VCV004751316.2).